The following is an entry in ClinVar:

NM_003924.4(PHOX2B):c.*1156C>A

Gene: PHOX2B (paired like homeobox 2B; minus strand). Cytogenetic location: 4p13.
Variant type: single nucleotide variant.
Coding change: c.*1156C>A on transcript NM_003924.4 (MANE Select); 1156 bases downstream of the stop codon, C replaced by A.
Molecular consequence: 3 prime UTR variant.
Genome position (GRCh38, 1-based): chr4:41,744,651, G>T on the plus strand (C>A on the coding strand, the complement: PHOX2B is on the minus strand). VCF-style: chr4-41744651-G-T. GRCh37 (hg19) VCF-style: chr4-41746668-G-T.
Identifiers: ClinVar variation 348791 (VCV000348791.5), dbSNP rs560413438, ClinGen allele CA10618742.

ClinVar aggregate classification (germline): Benign. Review status: criteria provided, single submitter (1 of 4 stars). 2 submissions from 1 submitter: Benign (2). Last evaluated 2018-01-13.

Conditions:
Neuroblastoma, susceptibility to, 2. Identifiers: Orphanet 635, MedGen C2751682, MONDO:0700041, OMIM 613013.
Congenital central hypoventilation. Also called: Congenital Central Hypoventilation Syndrome. Identifiers: Orphanet 661, Orphanet 99803, MedGen C1275808, MONDO:0800031. Disease mechanism: gain of function.

Allele frequency attached by ClinVar (database versions not stated): TOPMed 0.00145; 1000 Genomes Project 0.00180; 1000 Genomes Project 30x 0.00219.

Submissions (2):

Illumina Laboratory Services, Illumina
Classification: Benign for Neuroblastoma, susceptibility to, 2. Last evaluated: 2018-01-13. Review status: criteria provided, single submitter. Criteria: ICSL Variant Classification Criteria 13 December 2019. Collection method: clinical testing. Allele origin: germline.
Comment: This variant was observed in the ICSL laboratory as part of a predisposition screen in an ostensibly healthy population. It had not been previously curated by ICSL or reported in the Human Gene Mutation Database (HGMD: prior to June 1st, 2018), and was therefore a candidate for classification through an automated scoring system. Utilizing variant allele frequency, disease prevalence and penetrance estimates, and inheritance mode, an automated score was calculated to assess if this variant is too frequent to cause the disease. Based on the score and internal cut-off values, a variant classified as benign is not then subjected to further curation. The score for this variant resulted in a classification of benign for this disease.

Illumina Laboratory Services, Illumina
Classification: Benign for Central hypoventilation syndrome, congenital, 1, with or without Hirschsprung disease. Last evaluated: 2018-01-13. Review status: criteria provided, single submitter. Criteria: ICSL Variant Classification Criteria 13 December 2019. Collection method: clinical testing. Allele origin: germline.
Comment: the same text as in the submission from Illumina Laboratory Services, Illumina above.